The following is an entry in ClinVar:

ClinVar aggregate classification (germline): Conflicting classifications of pathogenicity. Review status: criteria provided, conflicting classifications (1 of 4 stars). 7 submissions from 7 submitters: Pathogenic (1); Likely pathogenic (5); Uncertain significance (1). Last evaluated 2026-05-14.

Conditions:
Autosomal recessive Alport syndrome (ATS2). Also called: COL4A3-Related Nephropathy; Alport syndrome type 2; ALPORT SYNDROME 2, AUTOSOMAL RECESSIVE; COL4A4 Alport Syndrome and Thin Basement Membrane Nephropathy. Identifiers: Orphanet 63, Orphanet 88919, MedGen C4746745, MONDO:0008762, OMIM 203780.
Hematuria, benign familial, 1 (BFH1). Also called: THIN MEMBRANE NEPHROPATHY. Identifiers: MedGen CN376803, MONDO:0007709, OMIM 141200.
Alport syndrome. Also called: Hemorrhagic familial nephritis; Hemorrhagic hereditary nephritis; Congenital hereditary hematuria. Identifiers: Orphanet 63, MedGen C1567741, MONDO:0018965.
COL4A4-related disorder.

Allele frequency attached by ClinVar (database versions not stated): gnomAD exomes below 0.00001; ExAC 0.00001; gnomAD 0.00001; TOPMed 0.00003.
gnomAD v4.1: 7 of 1,613,974 alleles (0.00043%); highest among the groups gnomAD compares: East Asian, 0.0022%; no homozygotes.

Submissions (7):

Centre de Génétique Humaine, Institut de Pathologie Et de Génétique
Classification: Likely pathogenic for Hematuria, benign familial, 1. Last evaluated: 2026-05-14. Review status: criteria provided, single submitter. Criteria: ACMG Guidelines, 2015. Collection method: clinical testing. Allele origin: germline. Inheritance: Autosomal dominant inheritance. Affected: yes. Observed: 1 variant allele, 1 heterozygote. Segregation with disease not observed.
Comment: This missense variant involves a highly conserved glycine located in a ‘Gly-X-Y’ motif in collagenous region, which is characteristic of the pathogenic variants identified in the COL4A4 gene (PM1,PP2). This variant is rare: allelic frequency of 0.00043% in gnomAD v4.1.0 database (PM2). In silico analysis supports that this missense variant has a deleterious effect (PP3). Described as LP/P in patients with AR AS (PP5)

Natera, Inc.
Classification: Likely pathogenic for Alport syndrome. Last evaluated: 2025-08-30. Review status: criteria provided, single submitter. Criteria: Natera Variant Classification Schema (03/2026). Collection method: clinical testing. Allele origin: germline.
Comment: The c.4288G>A variant in COL4A4 is a missense variant predicted to cause substitution of glycine to arginine at amino acid 1430. This variant is rare in the general population with a frequency below the threshold expected for the associated phenotype(s). This variant has been observed in one or more individuals affected with the associated recessive disease, as either homozygous or compound heterozygous with a second variant (PMID: 39135934). This variant is located in a functionally critical region of the protein. Computational prediction algorithms indicate this variant is likely to affect gene or protein function. Given the available evidence, this variant is classified as Likely Pathogenic.

Labcorp Genetics (formerly Invitae), Labcorp
Classification: Uncertain significance. Last evaluated: 2025-05-23. Review status: criteria provided, single submitter. Criteria: Invitae Variant Classification Sherloc (09022015). Collection method: clinical testing. Allele origin: germline.
Comment: This sequence change replaces glycine, which is neutral and non-polar, with arginine, which is basic and polar, at codon 1430 of the COL4A4 protein (p.Gly1430Arg). This variant is present in population databases (rs775926807, gnomAD 0.006%). This missense change has been observed in individual(s) with COL4A4-related conditions (PMID: 29204651, 36130833). ClinVar contains an entry for this variant (Variation ID: 585531). Invitae Evidence Modeling of protein sequence and biophysical properties (such as structural, functional, and spatial information, amino acid conservation, physicochemical variation, residue mobility, and thermodynamic stability) indicates that this missense variant is expected to disrupt COL4A4 protein function with a positive predictive value of 95%. In summary, the available evidence is currently insufficient to determine the role of this variant in disease. Therefore, it has been classified as a Variant of Uncertain Significance.

Victorian Clinical Genetics Services, Murdoch Childrens Research Institute
Classification: Likely pathogenic for Alport syndrome. Last evaluated: 2024-10-11. Review status: criteria provided, single submitter. Criteria: ACMG Guidelines, 2015. Collection method: clinical testing. Allele origin: germline. Affected: yes.
Comment: Based on the classification scheme VCGS_Germline_v1.3.5, this variant is classified as Likely pathogenic. Following criteria are met: 0103 - Loss of function is a known mechanism of disease for this gene and is associated with Alport syndrome. Dominant negative is a suspected mechanism of disease for this gene as it is a structural protein (PMIDs: 12028435, 24046192). (I) 0108 - This gene is associated with both recessive and dominant disease. Alport syndrome typically has biallelic inheritance, although rare cases of monoallelic inheritance have been reported (PMID: 28704582). Thin basement membrane nephropathy (TBMN) and focal segmental glomerulosclerosis (FSGS) are associated with autosomal dominant inheritance (OMIM, PMIDs: 16467446, 17942953). (I) 0200 - Variant is predicted to result in a missense amino acid change from glycine to arginine. (I) 0251 - This variant is heterozygous. (I) 0304 - Variant is present in gnomAD (v4) <0.01 (8 heterozygotes, 0 homozygotes). (SP) 0501 - Missense variant consistently predicted to be damaging by multiple in silico tools or highly conserved with a major amino acid change. (SP) 0601 - Variant is located in the well-established functional Gly-X-Y motif (DECIPHER). (SP) 0705 - No comparable missense variants have previous evidence for pathogenicity. (I) 0802 - This variant has moderate previous evidence of pathogenicity in unrelated individuals. This variant has been classified as likely pathogenic and a VUS by clinical laboratories in ClinVar. The VUS laboratory observed the variant in two individuals with Alport syndrome (one had an additional COL4A4 variant), and four individuals with no clinical information (personal communication). Additionally, this variant was seen in a compound heterozygous individual with Alport Syndrome (PMID: 29204651). (SP) 0905 - No published segregation evidence has been identified for this variant. (I) 1007 - No published functional evidence has been identified for this variant. (I) 1208 - Inheritance information for this variant is not currently available in this individual. (I) Legend: (SP) - Supporting pathogenic, (I) - Information, (SB) - Supporting benign

Fulgent Genetics
Classification: Pathogenic for Hematuria, benign familial, 1; Autosomal recessive Alport syndrome. Last evaluated: 2024-05-03. Review status: criteria provided, single submitter. Criteria: ACMG Guidelines, 2015. Collection method: clinical testing. Allele origin: germline.

Blueprint Genetics
Classification: Likely pathogenic for COL4A4-related disorders. Last evaluated: 2019-12-11. Review status: criteria provided, single submitter. Criteria: ACMG Guidelines, 2015. Collection method: clinical testing. Allele origin: germline. Affected: yes. Observed: 1 variant allele.

Athena Diagnostics
Classification: Likely pathogenic. Last evaluated: 2018-04-27. Review status: criteria provided, single submitter. Criteria: Athena Diagnostics Criteria. Collection method: clinical testing. Allele origin: germline.

Literature cited by the submitters: PubMed 29204651 (cited by 3 submitters); PubMed 36130833 (cited by Centre de Génétique Humaine, Institut de Pathologie Et de Génétique and Labcorp Genetics (formerly Invitae), Labcorp); PubMed 39135934 (cited by Centre de Génétique Humaine, Institut de Pathologie Et de Génétique and Natera, Inc.); PubMed 40044766 (cited by Centre de Génétique Humaine, Institut de Pathologie Et de Génétique); PubMed 12028435 (cited by Victorian Clinical Genetics Services, Murdoch Childrens Research Institute); PubMed 16467446 (cited by Victorian Clinical Genetics Services, Murdoch Childrens Research Institute); PubMed 17942953 (cited by Victorian Clinical Genetics Services, Murdoch Childrens Research Institute); PubMed 24046192 (cited by Victorian Clinical Genetics Services, Murdoch Childrens Research Institute); PubMed 28704582 (cited by Victorian Clinical Genetics Services, Murdoch Childrens Research Institute).

NM_000092.5(COL4A4):c.4288G>A (p.Gly1430Arg)

Gene: COL4A4 (collagen type IV alpha 4 chain; minus strand). Cytogenetic location: 2q36.3.
Variant type: single nucleotide variant.
Coding change: c.4288G>A on transcript NM_000092.5 (MANE Select); coding-DNA position 4288, G replaced by A.
Protein change: p.Gly1430Arg; replaces glycine 1430 with arginine.
Molecular consequence: missense variant.
Genome position (GRCh38, 1-based): chr2:227,012,226, C>T on the plus strand (G>A on the coding strand, the complement: COL4A4 is on the minus strand). VCF-style: chr2-227012226-C-T. GRCh37 (hg19) VCF-style: chr2-227876942-C-T.
Other names: p.(Gly1430Arg); short protein forms G1430R.
Identifiers: ClinVar variation 585531 (VCV000585531.17), dbSNP rs775926807, ClinGen allele CA2144217.